The following is an entry in ClinVar:

NM_022167.4(XYLT2):c.1337T>C (p.Leu446Pro)

Gene: XYLT2 (xylosyltransferase 2; plus strand). Cytogenetic location: 17q21.33.
Variant type: single nucleotide variant.
Coding change: c.1337T>C on transcript NM_022167.4 (MANE Select); coding-DNA position 1337, T replaced by C.
Protein change: p.Leu446Pro; replaces leucine 446 with proline.
Molecular consequence: missense variant.
Genome position (GRCh38, 1-based): chr17:50,356,116, T>C. VCF-style: chr17-50356116-T-C. GRCh37 (hg19) VCF-style: chr17-48433477-T-C.
Other names: c.1337T>C (NM_022167.3); short protein forms L446P.
Identifiers: ClinVar variation 1924563 (VCV001924563.5), dbSNP rs754679651, ClinGen allele CA8646429.
Genomic context (GRCh38, chr17:50,356,116, plus strand): 5'-CACCTTCCACTCTCCCTTGCTGCTTGCAGTCCTTCTTCCACACGGTGCTGGAGAACAGCC[T>C]GGCCTGTGAGACCCTCGTGGACAACAACCTGCGGGTCACCAACTGGAACCGCAAGCTGGG-3'
Protein context (NP_071450.2, residues 436-456): SFFHTVLENS[Leu446Pro]ACETLVDNNL

ClinVar aggregate classification (germline): Conflicting classifications of pathogenicity. Review status: criteria provided, conflicting classifications (1 of 4 stars). 3 submissions from 3 submitters: Uncertain significance (2); Likely benign (1). Last evaluated 2025-10-21.

Conditions:
XYLT2-related disorder. Also called: XYLT2-related condition.
Inborn genetic diseases. Identifiers: MedGen C0950123, MeSH D030342.

Allele frequency attached by ClinVar (database versions not stated): gnomAD exomes 0.00001; TOPMed 0.00001; ExAC 0.00002.
gnomAD v4.1: 16 of 1,614,220 alleles (0.00099%); highest among the groups gnomAD compares: Admixed American, 0.0017%; no homozygotes.

Submissions (3):

Labcorp Genetics (formerly Invitae), Labcorp
Classification: Uncertain significance. Last evaluated: 2025-10-21. Review status: criteria provided, single submitter. Criteria: Invitae Variant Classification Sherloc (09022015). Collection method: clinical testing. Allele origin: germline.
Comment: This sequence change replaces leucine, which is neutral and non-polar, with proline, which is neutral and non-polar, at codon 446 of the XYLT2 protein (p.Leu446Pro). This variant is present in population databases (rs754679651, gnomAD 0.0009%). This variant has not been reported in the literature in individuals affected with XYLT2-related conditions. ClinVar contains an entry for this variant (Variation ID: 1924563). Invitae Evidence Modeling of protein sequence and biophysical properties (such as structural, functional, and spatial information, amino acid conservation, physicochemical variation, residue mobility, and thermodynamic stability) indicates that this missense variant is not expected to disrupt XYLT2 protein function with a negative predictive value of 80%. In summary, the available evidence is currently insufficient to determine the role of this variant in disease. Therefore, it has been classified as a Variant of Uncertain Significance.

Ambry Genetics
Classification: Likely benign for Inborn genetic diseases. Last evaluated: 2025-10-03. Review status: criteria provided, single submitter. Criteria: Ambry Variant Classification Scheme 2023. Collection method: clinical testing. Allele origin: germline.

PreventionGenetics, part of Exact Sciences
Classification: Uncertain significance for XYLT2-related condition. Last evaluated: 2025-02-06. Review status: criteria provided, single submitter. Criteria: ACMG Guidelines, 2015. Collection method: clinical testing. Allele origin: germline.
Comment: The XYLT2 c.1337T>C variant is predicted to result in the amino acid substitution p.Leu446Pro. To our knowledge, this variant has not been reported in the literature. This variant is reported in 0.00088% of alleles in individuals of European (Non-Finnish) descent in gnomAD. At this time, the clinical significance of this variant is uncertain due to the absence of conclusive functional and genetic evidence.